The following is an entry in ClinVar:

NM_000419.5(ITGA2B):c.1555C>T (p.Gln519Ter)

Gene: ITGA2B (integrin subunit alpha 2b; minus strand). Cytogenetic location: 17q21.31.
Variant type: single nucleotide variant.
Coding change: c.1555C>T on transcript NM_000419.5 (MANE Select); coding-DNA position 1555, C replaced by T.
Protein change: p.Gln519Ter; replaces glutamine 519 with a stop codon.
Molecular consequence: nonsense.
Genome position (GRCh38, 1-based): chr17:44,380,291, G>A on the plus strand (C>T on the coding strand, the complement: ITGA2B is on the minus strand). VCF-style: chr17-44380291-G-A. GRCh37 (hg19) VCF-style: chr17-42457659-G-A.
Other names: NM_000419.5:c.1555C>T; short protein forms Q519*.
Identifiers: ClinVar variation 1879038 (VCV001879038.1), dbSNP rs2510079586, ClinGen allele CA399802559.

ClinVar aggregate classification (germline): Pathogenic (3 of 4 stars; one submission).

Conditions:
Glanzmann thrombasthenia. Also called: PLATELET GLYCOPROTEIN IIb-IIIa DEFICIENCY; BLEEDING DISORDER, PLATELET-TYPE, 2; THROMBASTHENIA OF GLANZMANN AND NAEGELI; Thrombasthenia; Glanzmann's thrombasthenia. Identifiers: Orphanet 849, MedGen C0040015, MONDO:0100326.

Submission:

ClinGen Platelet Disorders Variant Curation Expert Panel, ClinGen
Classification: Pathogenic for Glanzmann thrombasthenia. Last evaluated: 2022-11-15. Review status: reviewed by expert panel. Criteria: ClinGen Platelet ACMG Specifications v2-1. Collection method: curation. Allele origin: germline. Inheritance: Autosomal recessive inheritance.
Comment: NM_000419.5(ITGA2B):c.1555C>T (p.Gln519Ter) found in a homozygous proband (PMID:31029159) causes a premature stop codon at exon 16 and is predicted to undergo nonsense mediated decay (PVS1). The variant was not found in gnomAD v2.1.1 (PM2_supporting). It has been detected homozygous in at least 1 proband reported to have Glanzmann thrombasthenia (PM3_supporting; PMID:31029159). In summary, this variant meets the criteria to be classified as pathogenic for autosomal recessive Glanzmann Thrombasthenia based on the ACMG/AMP criteria applied, as specified by the ClinGen PD VCEP: PVS1, PM2_supporting, and PM3_supporting.